The following is an entry in ClinVar:

ClinVar aggregate classification (germline): Uncertain significance (1 of 4 stars; one submission).

Conditions:
Malignant hyperthermia, susceptibility to, 5 (MHS5). Also called: CACNA1S-Related Malignant Hyperthermia Susceptibility. Identifiers: Orphanet 423, MedGen C1866077, MONDO:0011163, OMIM 601887.
Hypokalemic periodic paralysis, type 1. Also called: Hypokalemic Periodic Paralysis Type 1 (AD); HypoPP. Identifiers: Orphanet 681, MedGen C3714580, MONDO:0042979, OMIM 170400.

Allele frequency attached by ClinVar (database versions not stated): gnomAD exomes below 0.00001.
gnomAD v4.1: 5 of 1,613,754 alleles (0.00031%); highest among the groups gnomAD compares: Non-Finnish European, 0.00042%; no homozygotes.

Submission:

Labcorp Genetics (formerly Invitae), Labcorp
Classification: Uncertain significance for Hypokalemic periodic paralysis, type 1; Malignant hyperthermia, susceptibility to, 5. Last evaluated: 2026-01-26. Review status: criteria provided, single submitter. Criteria: Invitae Variant Classification Sherloc (09022015). Collection method: clinical testing. Allele origin: germline.
Comment: This sequence change replaces alanine, which is neutral and non-polar, with proline, which is neutral and non-polar, at codon 1781 of the CACNA1S protein (p.Ala1781Pro). This variant is not present in population databases (gnomAD no frequency). This variant has not been reported in the literature in individuals affected with CACNA1S-related conditions. ClinVar contains an entry for this variant (Variation ID: 2176126). Invitae Evidence Modeling of protein sequence and biophysical properties (such as structural, functional, and spatial information, amino acid conservation, physicochemical variation, residue mobility, and thermodynamic stability) indicates that this missense variant is not expected to disrupt CACNA1S protein function with a negative predictive value of 95%. In summary, the available evidence is currently insufficient to determine the role of this variant in disease. Therefore, it has been classified as a Variant of Uncertain Significance.

NM_000069.3(CACNA1S):c.5341G>C (p.Ala1781Pro)

Gene: CACNA1S (calcium voltage-gated channel subunit alpha1 S; minus strand). Cytogenetic location: 1q32.1.
Variant type: single nucleotide variant.
Coding change: c.5341G>C on transcript NM_000069.3 (MANE Select); coding-DNA position 5341, G replaced by C.
Protein change: p.Ala1781Pro; replaces alanine 1781 with proline.
Molecular consequence: missense variant.
Genome position (GRCh38, 1-based): chr1:201,040,260, C>G on the plus strand (G>C on the coding strand, the complement: CACNA1S is on the minus strand). VCF-style: chr1-201040260-C-G. GRCh37 (hg19) VCF-style: chr1-201009388-C-G.
Other names: short protein forms A1781P.
Identifiers: ClinVar variation 2176126 (VCV002176126.4), dbSNP rs2464389900, ClinGen allele CA344130443.